The following is an entry in ClinVar:

NM_031475.3(ESPN):c.1797_1808del (p.Pro602_Pro605del)

Gene: ESPN (espin; plus strand). Cytogenetic location: 1p36.31.
Variant type: Deletion.
Coding change: c.1797_1808del on transcript NM_031475.3 (MANE Select); coding-DNA positions 1797 to 1808, 12 bases deleted (CCCACCGCCGCC).
Protein change: p.Pro602_Pro605del.
Molecular consequence: inframe deletion.
Genome position (GRCh38, 1-based): chr1:6,448,973-6,448,984, CCCACCGCCGCC deleted; deleting any 12 consecutive bases within chr1:6,448,962-6,448,984 gives the same sequence; the c. name uses the placement nearest the transcript's 3' end. VCF-style (leftmost placement, unchanged base first): chr1-6448961-GCCACCGCCGCCC-G. GRCh37 (hg19) VCF-style: chr1-6509021-GCCACCGCCGCCC-G.
Other names: c.1707_1718del, p.Pro572_Pro575del (NM_001367473.1, NM_001367474.1); c.1797_1808del (NM_031475.2).
Identifiers: ClinVar variation 508596 (VCV000508596.45), dbSNP rs548962140, ClinGen allele CA560287.
Genomic context (GRCh38, chr1:6,448,961, plus strand): 5'-GCTTCCTGGGAACCATGTTCCTAACGGCTGCGCCGCGGACCCCAAGGCGTCCAGGGAGCT[GCCACCGCCGCCC>G]CCACCGCCGCCGCCGCCCCTGCCGGAGGCCGCGAGTTCGCCACCGCCGGCCCCGCCTCTG-3'

ClinVar aggregate classification (germline): Benign/Likely benign. Review status: criteria provided, multiple submitters, no conflicts (2 of 4 stars). 5 submissions from 5 submitters: Benign (3); Likely benign (2). Last evaluated 2026-06-01.

Submissions (5):

CeGaT Center for Human Genetics Tuebingen
Classification: Likely benign. Last evaluated: 2026-06-01. Review status: criteria provided, single submitter. Criteria: CeGaT Center For Human Genetics Tuebingen Variant Classification Criteria Version 2. Collection method: clinical testing. Allele origin: germline. Affected: yes. Observed: 9 variant alleles.
Comment: ESPN: BS2

Labcorp Genetics (formerly Invitae), Labcorp
Classification: Benign. Last evaluated: 2026-01-19. Review status: criteria provided, single submitter. Criteria: Invitae Variant Classification Sherloc (09022015). Collection method: clinical testing. Allele origin: germline.

Blueprint Genetics
Classification: Likely benign. Last evaluated: 2024-11-19. Review status: criteria provided, single submitter. Criteria: ACMG Guidelines, 2015. Collection method: clinical testing. Allele origin: germline.

ARUP Laboratories, Molecular Genetics and Genomics, ARUP Laboratories
Classification: Benign. Last evaluated: 2019-12-18. Review status: criteria provided, single submitter. Criteria: ARUP Molecular Germline Variant Investigation Process. Collection method: clinical testing. Allele origin: germline.

GeneDx
Classification: Benign. Last evaluated: 2018-09-14. Review status: criteria provided, single submitter. Criteria: GeneDx Variant Classification Process June 2021. Collection method: clinical testing. Allele origin: germline. Affected: yes.